The following is an entry in ClinVar:

ClinVar aggregate classification (germline): Uncertain significance (1 of 4 stars; one submission).

Submission:

Labcorp Genetics (formerly Invitae), Labcorp
Classification: Uncertain significance. Last evaluated: 2021-07-21. Review status: criteria provided, single submitter. Criteria: Invitae Variant Classification Sherloc (09022015). Collection method: clinical testing. Allele origin: germline.
Comment: Algorithms developed to predict the effect of missense changes on protein structure and function are either unavailable or do not agree on the potential impact of this missense change (SIFT: "Tolerated"; PolyPhen-2: "Possibly Damaging"; Align-GVGD: "Class C0"). In summary, the available evidence is currently insufficient to determine the role of this variant in disease. Therefore, it has been classified as a Variant of Uncertain Significance. This variant has not been reported in the literature in individuals affected with USH2A-related conditions. This variant is not present in population databases (ExAC no frequency). This sequence change replaces serine with proline at codon 4694 of the USH2A protein (p.Ser4694Pro). The serine residue is highly conserved and there is a moderate physicochemical difference between serine and proline.

NM_206933.4(USH2A):c.14080T>C (p.Ser4694Pro)

Gene: USH2A (usherin; minus strand). Cytogenetic location: 1q41.
Variant type: single nucleotide variant.
Coding change: c.14080T>C on transcript NM_206933.4 (MANE Select); coding-DNA position 14080, T replaced by C.
Protein change: p.Ser4694Pro; replaces serine 4694 with proline.
Molecular consequence: missense variant.
Genome position (GRCh38, 1-based): chr1:215,671,025, A>G on the plus strand (T>C on the coding strand, the complement: USH2A is on the minus strand). VCF-style: chr1-215671025-A-G. GRCh37 (hg19) VCF-style: chr1-215844367-A-G.
Other names: short protein forms S4694P.
Identifiers: ClinVar variation 1481918 (VCV001481918.8), dbSNP rs2102661208, ClinGen allele CA344840232.